The following is an entry in ClinVar:

ClinVar aggregate classification (germline): Pathogenic (1 of 4 stars; one submission).

Conditions:
Bethlem myopathy 1A. Also called: Bethlem myopathy 1; MYOPATHY, BENIGN CONGENITAL, WITH CONTRACTURES; Bethlem Muscular Dystrophy. Identifiers: Orphanet 610, MedGen CN029274, MONDO:0024530, OMIM 158810.

Submission:

Labcorp Genetics (formerly Invitae), Labcorp
Classification: Pathogenic for Bethlem myopathy 1A. Last evaluated: 2024-04-08. Review status: criteria provided, single submitter. Criteria: Invitae Variant Classification Sherloc (09022015). Collection method: clinical testing. Allele origin: germline.
Comment: This sequence change creates a premature translational stop signal (p.Ile715Leufs*28) in the COL6A2 gene. It is expected to result in an absent or disrupted protein product. Loss-of-function variants in COL6A2 are known to be pathogenic (PMID: 19884007, 20976770). This variant is not present in population databases (gnomAD no frequency). This variant has not been reported in the literature in individuals affected with COL6A2-related conditions. For these reasons, this variant has been classified as Pathogenic.

Literature cited by the submitters: PubMed 19884007; PubMed 20976770.

NM_001849.4(COL6A2):c.2142_2143insCTTG (p.Ile715fs)

Gene: COL6A2 (collagen type VI alpha 2 chain; plus strand). Cytogenetic location: 21q22.3.
Variant type: Insertion.
Coding change: c.2142_2143insCTTG on transcript NM_001849.4 (MANE Select); coding-DNA positions 2142 to 2143, CTTG inserted.
Protein change: p.Ile715fs; shifts the reading frame from isoleucine 715.
Molecular consequence: frameshift variant.
Genome position: GRCh38 VCF-style: chr21-46125957-C-CCTTG. GRCh37 (hg19) VCF-style: chr21-47545871-C-CCTTG.
Other names: c.2142_2143insCTTG, p.Ile715fs (NM_058174.3, NM_058175.3); short protein forms I715fs.
Identifiers: ClinVar variation 3638524 (VCV003638524.2).
Genomic context (GRCh38, chr21:46,125,957, plus strand): 5'-CGAGTGGATTGCGGGCGGCACCTGGACACCCTCAGCCCTCAAGTTTGCCTACGACCGCCT[C>CCTTG]ATCAAGGAGAGCCGGCGCCAGAAGACACGTGTGTTTGCGGTGGTCATCACGGACGGGCGC-3'